The following is an entry in ClinVar:

ClinVar aggregate classification (germline): Pathogenic/Likely pathogenic. Review status: criteria provided, multiple submitters, no conflicts (2 of 4 stars). 12 submissions from 12 submitters: Pathogenic (7); Likely pathogenic (2). 3 of the submissions do not count toward it. Last evaluated 2025-08-29.
ClinVar aggregate classification (oncogenicity): Likely oncogenic (1 of 4 stars; one submission).

Conditions:
Hereditary cancer-predisposing syndrome. Also called: Hereditary neoplastic syndrome; Tumor predisposition; Neoplastic Syndromes, Hereditary; Hereditary Cancer Syndrome. Identifiers: Orphanet 140162, MedGen C0027672, MeSH D009386, MONDO:0015356.
Peutz-Jeghers syndrome (PJS). Also called: POLYPOSIS, HAMARTOMATOUS INTESTINAL; POLYPS-AND-SPOTS SYNDROME; Peutz-Jeghers polyposis; Periorificial lentiginosis syndrome. Identifiers: Orphanet 2869, MedGen C0031269, MeSH D010580, MONDO:0008280, OMIM 175200.
Neoplasm. Also called: tumor; Neoplasms; Neoplasm (disease). Identifiers: MedGen C0027651, MeSH D009369, MONDO:0005070, HP:0002664.

Submissions (13):

Ambry Genetics
Classification: Pathogenic for Hereditary cancer-predisposing syndrome. Last evaluated: 2025-08-29. Review status: criteria provided, single submitter. Criteria: Ambry Variant Classification Scheme 2023. Collection method: clinical testing. Allele origin: germline.
Comment: The c.910C>T (p.R304W) alteration is located in exon 7 (coding exon 7) of the STK11 gene. This alteration results from a C to T substitution at nucleotide position 910, causing the arginine (R) at amino acid position 304 to be replaced by a tryptophan (W). This variant was not reported in population-based cohorts in the Genome Aggregation Database (gnomAD). This variant has been reported in multiple individuals with Peutz-Jeghers syndrome (Resta, 1998; Lim, 2003; Amos, 2004; Schumacher, 2005; Mehenni, 2007; Salloch, 2010). This amino acid position is highly conserved in available vertebrate species. Functional studies have shown that this alteration leads to inability of STK11 to autophosphorylate, to phosphorylate p53, to suppress the growth of melanoma cells, and it limits protein localization to the nucleus (Nezu, 1999; Boudeau, 2003). This alteration is predicted to be deleterious by in silico analysis. Based on the available evidence, this alteration is classified as pathogenic.

Labcorp Genetics (formerly Invitae), Labcorp
Classification: Pathogenic for Peutz-Jeghers syndrome. Last evaluated: 2025-06-10. Review status: criteria provided, single submitter. Criteria: Invitae Variant Classification Sherloc (09022015). Collection method: clinical testing. Allele origin: germline.
Comment: This sequence change replaces arginine, which is basic and polar, with tryptophan, which is neutral and slightly polar, at codon 304 of the STK11 protein (p.Arg304Trp). This variant is not present in population databases (gnomAD no frequency). This missense change has been observed in individuals with Peutz-Jeghers syndrome (PMID: 9809980, 12865922, 15121768, 17404884). Invitae Evidence Modeling of clinical and family history, age, sex, and reported ancestry of multiple individuals with this STK11 variant has been performed. This variant is expected to be pathogenic with a positive predictive value of at least 99%. This is a validated machine learning model that incorporates the clinical features of 656,629 individuals referred to our laboratory for STK11 testing. ClinVar contains an entry for this variant (Variation ID: 183802). Invitae Evidence Modeling of protein sequence and biophysical properties (such as structural, functional, and spatial information, amino acid conservation, physicochemical variation, residue mobility, and thermodynamic stability) has been performed for this missense variant. However, the output from this modeling did not meet the statistical confidence thresholds required to predict the impact of this variant on STK11 protein function. Experimental studies have shown that this missense change affects STK11 function (PMID: 10441497, 12552571). This variant disrupts the p.Arg304 amino acid residue in STK11. Other variant(s) that disrupt this residue have been determined to be pathogenic (PMID: 16287113). This suggests that this residue is clinically significant, and that variants that disrupt this residue are likely to be disease-causing. For these reasons, this variant has been classified as Pathogenic.

Center for Genomic Medicine, Rigshospitalet, Copenhagen University Hospital
Classification: Likely oncogenic for Neoplasm. Last evaluated: 2025-03-04. Review status: criteria provided, single submitter. Criteria: ClinGen/CGC/VICC Guidelines for Oncogenicity, 2022. Collection method: clinical testing. Allele origin: somatic. Affected: yes.

Myriad Genetics, Inc.
Classification: Likely pathogenic for Peutz-Jeghers syndrome. Last evaluated: 2024-02-12. Review status: criteria provided, single submitter. Criteria: Myriad Autosomal Dominant, Autosomal Recessive and X-Linked Classification Criteria (2023). Collection method: clinical testing. Allele origin: unknown.
Comment: This variant is considered likely pathogenic. This variant has been reported in multiple individuals with clinical features of gene-specific disease [PMID: 15863673, 19727776, 23415580]. Functional studies indicate this variant impacts protein function [PMID: 10441497, 12552571, 15561763].

All of Us Research Program, National Institutes of Health
Classification: Pathogenic for Peutz-Jeghers syndrome. Last evaluated: 2023-08-28. Review status: criteria provided, single submitter. Criteria: ACMG Guidelines, 2015. Collection method: clinical testing. Allele origin: germline. Inheritance: Autosomal dominant inheritance. Observed: 1 variant allele, 1 heterozygote.
Comment: This missense variant replaces arginine with tryptophan at codon 304 in the kinase domain of the STK11 protein. Computational prediction tool suggests that this variant may have deleterious impact on protein structure and function (internally defined REVEL score threshold >=0.7, PMID: 27666373). Functional studies have shown that this variant results in the loss of kinase activity (PMID: 10441497, 12552571). This variant has been reported in over 10 individuals affected with Peutz-Jeghers syndrome (PMID: 9809980, 15188174, 16582077, 16707622, 17404884, 19727776, 23415580, 30528796, 37377590) and in an individual affected with bilateral breast cancer and gastric cancer (PMID: 32489267). This variant has not been identified in the general population by the Genome Aggregation Database (gnomAD). Based on the available evidence, this variant is classified as Pathogenic.

This study involves interpretation of variants in research participants for the purpose of population health screening. Participant phenotype was not available at the time of variant classification. Additional details can be found in publication PMID: 35346344, PMCID: PMC8962531

Color Diagnostics, LLC DBA Color Health
Classification: Pathogenic for Hereditary cancer-predisposing syndrome. Last evaluated: 2023-07-07. Review status: criteria provided, single submitter. Criteria: ACMG Guidelines, 2015. Collection method: clinical testing. Allele origin: germline.
Comment: This missense variant replaces arginine with tryptophan at codon 304 in the kinase domain of the STK11 protein. Computational prediction tool suggests that this variant may have deleterious impact on protein structure and function (internally defined REVEL score threshold >=0.7, PMID: 27666373). Functional studies have shown that this variant results in the loss of kinase activity (PMID: 10441497, 12552571). This variant has been reported in over 10 individuals affected with Peutz-Jeghers syndrome (PMID: 9809980, 15188174, 16582077, 16707622, 17404884, 19727776, 23415580, 30528796, 37377590) and in an individual affected with bilateral breast cancer and gastric cancer (PMID: 32489267). This variant has not been identified in the general population by the Genome Aggregation Database (gnomAD). Based on the available evidence, this variant is classified as Pathogenic.

GeneDx
Classification: Pathogenic. Last evaluated: 2022-05-03. Review status: criteria provided, single submitter. Criteria: GeneDx Variant Classification Process June 2021. Collection method: clinical testing. Allele origin: germline. Affected: yes.
Comment: Published functional studies demonstrate a damaging effect: abnormal cellular localization, aberrant phosphorylation patterns, and loss of kinase activity (Boudeau et al., 2003; Nezu et al., 1999); In silico analysis supports that this missense variant has a deleterious effect on protein structure/function; Not observed at significant frequency in large population cohorts (gnomAD); This variant is associated with the following publications: (PMID: 15863673, 19369417, 30528796, 32489267, 12552571, 19340305, 10441497, 16407837, 22185227, 12865922, 16707622, 12112668, 17404884, 9809980, 19727776, 15121768, 17761947, 29310834, 30787465)

Genome-Nilou Lab
Classification: Pathogenic for Peutz-Jeghers syndrome. Last evaluated: 2021-07-15. Review status: criteria provided, single submitter. Criteria: ACMG Guidelines, 2015. Collection method: clinical testing. Allele origin: germline. Affected: no.

Women's Health and Genetics/Laboratory Corporation of America, LabCorp
Classification: Pathogenic for Peutz-Jeghers syndrome. Last evaluated: 2017-10-26. Review status: criteria provided, single submitter. Criteria: LabCorp Variant Classification Summary - May 2015. Collection method: clinical testing. Allele origin: germline.
Comment: Variant summary: The STK11 c.910C>T (p.Arg304Trp) variant located in the protein kinase domain involves the alteration of a non-conserved nucleotide and 4/4 in silico tools predict a damaging outcome for this variant (SNPsandGO not captured due to low reliability index). This variant is absent in 30938 control chromosomes (gnomAD). Multiple publications have cited the variant in PJS patients. In addition, multiple functional studies, Boudeau_2003 and Nezu_1999, found the variant to cause abnormal cellular localization, aberrant phosphorylation patterns, and loss of kinase activity. In addition, multiple clinical diagnostic laboratories/reputable databases classified this variant as pathogenic. Taken together, this variant is classified as pathogenic.

Juno Genomics, Hangzhou Juno Genomics, Inc
Classification: Likely pathogenic for Peutz-Jeghers syndrome. Review status: criteria provided, single submitter. Criteria: ACMG Guidelines, 2015. Collection method: clinical testing. Allele origin: germline.
Comment: Absent from controls (or at extremely low frequency if recessive) in Genome Aggregation Database.;The prevalence of the variant in affected individuals is significantly increased compared to the prevalence in controls.;Patient's phenotype or family history is highly specific for a disease with a single genetic etiology.;Well-established in vitro or in vivo functional studies supportive of a damaging effect on the gene or gene product.

Clinical Genetics DNA and cytogenetics Diagnostics Lab, Erasmus MC, Erasmus Medical Center
Classification: Pathogenic. Review status: no assertion criteria provided. Collection method: clinical testing. Allele origin: germline. Affected: yes. Study: VKGL Data-share Consensus. Not counted in ClinVar's aggregate classification.

Department of Pathology and Laboratory Medicine, Sinai Health System
Classification: Uncertain significance. Review status: no assertion criteria provided. Collection method: clinical testing. Allele origin: unknown. Affected: yes. Study: The Canadian Open Genetics Repository (COGR). Not counted in ClinVar's aggregate classification.

Joint Genome Diagnostic Labs from Nijmegen and Maastricht, Radboudumc and MUMC+
Classification: Pathogenic. Review status: no assertion criteria provided. Collection method: clinical testing. Allele origin: germline. Affected: yes. Study: VKGL Data-share Consensus. Not counted in ClinVar's aggregate classification.

Literature cited by the submitters: PubMed 9809980 (cited by 4 submitters); PubMed 10441497 (cited by 6 submitters); PubMed 12552571 (cited by 7 submitters); PubMed 12865922 (cited by Ambry Genetics and Labcorp Genetics (formerly Invitae), Labcorp); PubMed 15121768 (cited by 3 submitters); PubMed 15863673 (cited by 3 submitters); PubMed 16582077 (cited by 3 submitters); PubMed 17404884 (cited by 4 submitters); PubMed 19727776 (cited by 5 submitters); PubMed 23415580 (cited by 4 submitters); PubMed 16287113 (cited by Labcorp Genetics (formerly Invitae), Labcorp); PubMed 15561763 (cited by Myriad Genetics, Inc.); PubMed 15188174 (cited by All of Us Research Program, National Institutes of Health and Color Diagnostics, LLC DBA Color Health); PubMed 16707622 (cited by All of Us Research Program, National Institutes of Health and Color Diagnostics, LLC DBA Color Health); PubMed 30528796 (cited by All of Us Research Program, National Institutes of Health and Color Diagnostics, LLC DBA Color Health); PubMed 32489267 (cited by All of Us Research Program, National Institutes of Health and Color Diagnostics, LLC DBA Color Health); PubMed 37377590 (cited by All of Us Research Program, National Institutes of Health and Color Diagnostics, LLC DBA Color Health).

NM_000455.5(STK11):c.910C>T (p.Arg304Trp)

Gene: STK11 (serine/threonine kinase 11; plus strand). Cytogenetic location: 19p13.3.
Variant type: single nucleotide variant.
Coding change: c.910C>T on transcript NM_000455.5 (MANE Select); coding-DNA position 910, C replaced by T.
Protein change: p.Arg304Trp; replaces arginine 304 with tryptophan.
Molecular consequence: missense variant.
Genome position (GRCh38, 1-based): chr19:1,221,996, C>T. VCF-style: chr19-1221996-C-T. GRCh37 (hg19) VCF-style: chr19-1221995-C-T.
Other names: short protein forms R304W.
Identifiers: ClinVar variation 183802 (VCV000183802.36), dbSNP rs786201090, ClinGen allele CA023348.